The following is an entry in ClinVar:

ClinVar aggregate classification (germline): Uncertain significance (1 of 4 stars; one submission).

Conditions:
Arrhythmogenic right ventricular dysplasia 10. Also called: Arrhythmogenic Right Ventricular Dysplasia/Cardiomyopathy10; Arrhythmogenic right ventricular dysplasia/cardiomyopathy, type 10; ARRHYTHMOGENIC RIGHT VENTRICULAR DYSPLASIA, FAMILIAL, 10. Identifiers: MedGen C1857777, MONDO:0012434, OMIM 610193.

Submission:

Labcorp Genetics (formerly Invitae), Labcorp
Classification: Uncertain significance for Arrhythmogenic right ventricular dysplasia 10. Last evaluated: 2024-05-16. Review status: criteria provided, single submitter. Criteria: Invitae Variant Classification Sherloc (09022015). Collection method: clinical testing. Allele origin: germline.
Comment: This sequence change replaces glutamic acid, which is acidic and polar, with glycine, which is neutral and non-polar, at codon 60 of the DSG2 protein (p.Glu60Gly). This variant is not present in population databases (gnomAD no frequency). This variant has not been reported in the literature in individuals affected with DSG2-related conditions. Advanced modeling of protein sequence and biophysical properties (such as structural, functional, and spatial information, amino acid conservation, physicochemical variation, residue mobility, and thermodynamic stability) has been performed at Invitae for this missense variant, however the output from this modeling did not meet the statistical confidence thresholds required to predict the impact of this variant on DSG2 protein function. In summary, the available evidence is currently insufficient to determine the role of this variant in disease. Therefore, it has been classified as a Variant of Uncertain Significance.

NM_001943.5(DSG2):c.179A>G (p.Glu60Gly)

Gene: DSG2 (desmoglein 2; plus strand). Cytogenetic location: 18q12.1.
Variant type: single nucleotide variant.
Coding change: c.179A>G on transcript NM_001943.5 (MANE Select); coding-DNA position 179, A replaced by G.
Protein change: p.Glu60Gly; replaces glutamic acid 60 with glycine.
Molecular consequence: missense variant.
Genome position (GRCh38, 1-based): chr18:31,519,900, A>G. VCF-style: chr18-31519900-A-G. GRCh37 (hg19) VCF-style: chr18-29099863-A-G.
Other names: short protein forms E60G.
Identifiers: ClinVar variation 3637542 (VCV003637542.2).